The following is an entry in ClinVar:

ClinVar aggregate classification (germline): Uncertain significance (1 of 4 stars; one submission).

Conditions:
Marfan syndrome (MFS). Also called: FBN1-Related Marfan Syndrome; MARFAN SYNDROME, TYPE I; Marfan syndrome type 1; Marfan's syndrome; Marfan syndrome, classic. Identifiers: Orphanet 284963, Orphanet 558, MedGen C0024796, MONDO:0007947, OMIM 154700.
Familial thoracic aortic aneurysm and aortic dissection (TAAD). Also called: Thoracic aortic aneurysms and dissections. Identifiers: Orphanet 91387, MedGen C4707243, MONDO:0019625.

Submission:

Labcorp Genetics (formerly Invitae), Labcorp
Classification: Uncertain significance for Marfan syndrome; Familial thoracic aortic aneurysm and aortic dissection. Last evaluated: 2020-02-27. Review status: criteria provided, single submitter. Criteria: Invitae Variant Classification Sherloc (09022015). Collection method: clinical testing. Allele origin: germline.
Comment: This variant is not present in population databases (ExAC no frequency). This sequence change replaces leucine with valine at codon 771 of the FBN1 protein (p.Leu771Val). The leucine residue is highly conserved and there is a small physicochemical difference between leucine and valine. This variant has not been reported in the literature in individuals with FBN1-related conditions. In summary, the available evidence is currently insufficient to determine the role of this variant in disease. Therefore, it has been classified as a Variant of Uncertain Significance. Algorithms developed to predict the effect of missense changes on protein structure and function (SIFT, PolyPhen-2, Align-GVGD) all suggest that this variant is likely to be tolerated, but these predictions have not been confirmed by published functional studies and their clinical significance is uncertain.

NM_000138.5(FBN1):c.2311C>G (p.Leu771Val)

Gene: FBN1 (fibrillin 1; minus strand). Cytogenetic location: 15q21.1.
Variant type: single nucleotide variant.
Coding change: c.2311C>G on transcript NM_000138.5 (MANE Select); coding-DNA position 2311, C replaced by G.
Protein change: p.Leu771Val; replaces leucine 771 with valine.
Molecular consequence: missense variant.
Genome position (GRCh38, 1-based): chr15:48,496,208, G>C on the plus strand (C>G on the coding strand, the complement: FBN1 is on the minus strand). VCF-style: chr15-48496208-G-C. GRCh37 (hg19) VCF-style: chr15-48788405-G-C.
Other names: short protein forms L771V.
Identifiers: ClinVar variation 1016233 (VCV001016233.8), dbSNP rs2043607479, ClinGen allele CA392335524.